The following is an entry in ClinVar:

ClinVar aggregate classification (germline): Uncertain significance. Review status: reviewed by expert panel (3 of 4 stars). 4 submissions from 4 submitters: Uncertain significance (1). 3 of the submissions do not count toward it. Last evaluated 2025-07-11.

Conditions:
Inborn genetic diseases. Identifiers: MedGen C0950123, MeSH D030342.
Hereditary thrombocytopenia and hematological cancer predisposition syndrome associated with RUNX1. Also called: Familial Platelet Disorder with Propensity to Acute Myelogenous Leukemia; Familial thrombocytopenia with propensity to acute myelogenous leukemia; PLATELET DISORDER, ASPIRIN-LIKE; RUNX1 Familial Platelet Disorder with Associated Myeloid Malignancies. Identifiers: Orphanet 71290, MedGen C1832388, MeSH C563324, MONDO:0100083, OMIM 601399.
RUNX1-related disorder. Also called: RUNX1-related condition.
Hereditary thrombocytopenia and hematologic cancer predisposition syndrome. Identifiers: Orphanet 71290, MedGen CN281654, MONDO:0011071.

Submissions (4):

ClinGen Myeloid Malignancy Variant Curation Expert Panel
Classification: Uncertain significance for Hereditary thrombocytopenia and hematologic cancer predisposition syndrome. Last evaluated: 2025-07-11. Review status: reviewed by expert panel. Criteria: ClinGen MyeloMalig ACMG Specifications v2. Collection method: curation. Allele origin: germline. Inheritance: Autosomal dominant inheritance.
Comment: NM_001754.5(RUNX1):c.805+5G>A is an intronic variant which is completely absent from all population databases with at least 20x coverage for RUNX1 (PM2_Supporting). Although it does not have an available REVEL score, multiple other predictors (dbscSNV, MaxEntScan) predict a deleterious impact, and it has a SpliceAI score ≥ 0.38 (0.77), supporting application of PP3. In summary, the clinical significance of this variant is uncertain. ACMG/AMP criteria applied, as specified by the Myeloid Malignancy Variant Curation Expert Panel for RUNX1: PM2_Supporting, PP3.

Ambry Genetics
Classification: Likely pathogenic for Inborn genetic diseases. Last evaluated: 2025-04-22. Review status: criteria provided, single submitter. Criteria: Ambry Variant Classification Scheme 2023. Collection method: clinical testing. Allele origin: germline. Not counted in ClinVar's aggregate classification.
Comment: The c.805+5G>A intronic variant results from a G to A substitution 5 nucleotides after coding exon 6 in the RUNX1 gene. This variant is considered to be rare based on population cohorts in the Genome Aggregation Database (gnomAD). This nucleotide position is highly conserved in available vertebrate species. In silico splice site analysis predicts that this alteration will weaken the native splice donor site. RNA studies have demonstrated that this alteration results in abnormal splicing in the set of samples tested (Ambry internal data). Based on the majority of available evidence to date, this variant is likely to be pathogenic.

PreventionGenetics, part of Exact Sciences
Classification: Uncertain significance for RUNX1-related condition. Last evaluated: 2025-03-01. Review status: criteria provided, single submitter. Criteria: ACMG Guidelines, 2015. Collection method: clinical testing. Allele origin: germline. Not counted in ClinVar's aggregate classification.
Comment: The RUNX1 c.805+5G>A variant is predicted to interfere with splicing. This variant is predicted to alter splicing based on available splicing prediction software (SpliceAI, Jaganathan et al. 2019. PubMed ID: 30661751). However, the use of computer prediction software is not equivalent to functional evidence. To our knowledge, this variant has not been reported in the literature or in a large population database (gnomAD), indicating this variant is rare. At the time of reporting this variant is absent in ClinVar. At this time, the clinical significance of this variant is uncertain due to the absence of conclusive functional and genetic evidence.

Labcorp Genetics (formerly Invitae), Labcorp
Classification: Uncertain significance for Hereditary thrombocytopenia and hematological cancer predisposition syndrome associated with RUNX1. Last evaluated: 2025-01-07. Review status: criteria provided, single submitter. Criteria: Invitae Variant Classification Sherloc (09022015). Collection method: clinical testing. Allele origin: germline. Not counted in ClinVar's aggregate classification.
Comment: This sequence change falls in intron 7 of the RUNX1 gene. It does not directly change the encoded amino acid sequence of the RUNX1 protein. It affects a nucleotide within the consensus splice site. This variant is not present in population databases (gnomAD no frequency). This variant has not been reported in the literature in individuals affected with RUNX1-related conditions. Variants that disrupt the consensus splice site are a relatively common cause of aberrant splicing (PMID: 17576681, 9536098). Algorithms developed to predict the effect of sequence changes on RNA splicing suggest that this variant may disrupt the consensus splice site. In summary, the available evidence is currently insufficient to determine the role of this variant in disease. Therefore, it has been classified as a Variant of Uncertain Significance.

Literature cited by the submitters: PubMed 17576681 (cited by Labcorp Genetics (formerly Invitae), Labcorp); PubMed 9536098 (cited by Labcorp Genetics (formerly Invitae), Labcorp).

NM_001754.5(RUNX1):c.805+5G>A

Gene: RUNX1 (RUNX family transcription factor 1; minus strand). Cytogenetic location: 21q22.12.
Variant type: single nucleotide variant.
Coding change: c.805+5G>A on transcript NM_001754.5 (MANE Select); 5 bases into the intron after coding-DNA position 805, G replaced by A.
Molecular consequence: intron variant.
Genome position (GRCh38, 1-based): chr21:34,834,405, C>T on the plus strand (G>A on the coding strand, the complement: RUNX1 is on the minus strand). VCF-style: chr21-34834405-C-T. GRCh37 (hg19) VCF-style: chr21-36206702-C-T.
Other names: c.805+5G>A (NM_001754.4); c.724+5G>A (NM_001001890.3, NM_001122607.2).
Identifiers: ClinVar variation 3727827 (VCV003727827.4).